The following is an entry in ClinVar:

ClinVar aggregate classification (germline): Conflicting classifications of pathogenicity. Review status: criteria provided, conflicting classifications (1 of 4 stars). 6 submissions from 6 submitters: Uncertain significance (1); Likely benign (5). Last evaluated 2025-09-18.

Conditions:
COL6A3-related disorder. Also called: COL6A3-related disorders; COL6A3-related condition.
Bethlem myopathy 1A. Also called: Bethlem myopathy 1; MYOPATHY, BENIGN CONGENITAL, WITH CONTRACTURES; Bethlem Muscular Dystrophy. Identifiers: Orphanet 610, MedGen CN029274, MONDO:0024530, OMIM 158810.

Allele frequency attached by ClinVar (database versions not stated): gnomAD below 0.00001 and 0.00001; TOPMed 0.00001; ExAC 0.00003; gnomAD exomes 0.00007; ESP Exome Variant Server 0.00008.
gnomAD v4.1: 54 of 1,613,334 alleles (0.0033%); highest among the groups gnomAD compares: Middle Eastern, 0.049%; no homozygotes.

Submissions (6):

PreventionGenetics, part of Exact Sciences
Classification: Likely benign for COL6A3-related condition. Last evaluated: 2025-09-18. Review status: criteria provided, single submitter. Criteria: ACMG Guidelines, 2015. Collection method: clinical testing. Allele origin: germline.
Comment: This variant is classified as likely benign based on ACMG/AMP sequence variant interpretation guidelines (Richards et al. 2015 PMID: 25741868, with internal and published modifications).

Blueprint Genetics
Classification: Likely benign. Last evaluated: 2024-10-07. Review status: criteria provided, single submitter. Criteria: ACMG Guidelines, 2015. Collection method: clinical testing. Allele origin: germline.

Revvity Omics, Revvity
Classification: Likely benign. Last evaluated: 2024-06-12. Review status: criteria provided, single submitter. Criteria: ACMG Guidelines, 2015. Collection method: clinical testing. Allele origin: germline.

Labcorp Genetics (formerly Invitae), Labcorp
Classification: Likely benign for Bethlem myopathy 1A. Last evaluated: 2024-03-12. Review status: criteria provided, single submitter. Criteria: Invitae Variant Classification Sherloc (09022015). Collection method: clinical testing. Allele origin: germline.

CeGaT Center for Human Genetics Tuebingen
Classification: Likely benign. Last evaluated: 2021-12-01. Review status: criteria provided, single submitter. Criteria: CeGaT Center For Human Genetics Tuebingen Variant Classification Criteria Version 2. Collection method: clinical testing. Allele origin: germline. Affected: yes. Observed: 1 variant allele.

Eurofins Ntd Llc (ga)
Classification: Uncertain significance. Last evaluated: 2015-08-24. Review status: criteria provided, single submitter. Criteria: EGL Classification Definitions 2015. Collection method: clinical testing. Allele origin: germline. Observed: 1 variant allele, 1 heterozygote.

NM_004369.4(COL6A3):c.7983C>T (p.Phe2661=)

Gene: COL6A3 (collagen type VI alpha 3 chain; minus strand). Cytogenetic location: 2q37.3.
Variant type: single nucleotide variant.
Coding change: c.7983C>T on transcript NM_004369.4 (MANE Select); coding-DNA position 7983, C replaced by T.
Protein change: p.Phe2661=; no amino-acid change (phenylalanine 2661 retained).
Molecular consequence: synonymous variant.
Genome position (GRCh38, 1-based): chr2:237,340,933, G>A on the plus strand (C>T on the coding strand, the complement: COL6A3 is on the minus strand). VCF-style: chr2-237340933-G-A. GRCh37 (hg19) VCF-style: chr2-238249576-G-A.
Other names: c.6162C>T, p.Phe2054= (NM_057166.5); c.7365C>T, p.Phe2455= (NM_057167.4); c.7983C>T (NM_004369.3).
Identifiers: ClinVar variation 282278 (VCV000282278.52), dbSNP rs375222168, ClinGen allele CA2187647.
Genomic context (GRCh38, chr2:237,340,933, plus strand): 5'-TGGCATGCTGGCATTGTCCACGGACTCAGAGGGCGCGTGCTGCACAACTGCCACTCTGGC[G>A]AAGTGCTGGGAGGCCTTGGGATCTGGGCTCATGTCCAGTTGTCTGACCAGGTACGCTATG-3'
Protein context (NP_004360.2, residues 2651-2671): MSPDPKASQH[Phe2661=]ARVAVVQHAP